The following is an entry in ClinVar:

ClinVar aggregate classification (germline): Conflicting classifications of pathogenicity. Review status: criteria provided, conflicting classifications (1 of 4 stars). 6 submissions from 6 submitters: Uncertain significance (1); Benign (1); Likely benign (3). 1 of the submissions does not count toward it. Last evaluated 2026-01-01.

Conditions:
CABP2-related disorder. Also called: CABP2-related condition.

Allele frequency attached by ClinVar (database versions not stated): gnomAD 0.00006 and 0.00019; TOPMed 0.00006; ESP Exome Variant Server 0.00008; 1000 Genomes Project 30x 0.00094; 1000 Genomes Project 0.00120.

Submissions (6):

CeGaT Center for Human Genetics Tuebingen
Classification: Likely benign. Last evaluated: 2026-01-01. Review status: criteria provided, single submitter. Criteria: CeGaT Center For Human Genetics Tuebingen Variant Classification Criteria Version 2. Collection method: clinical testing. Allele origin: germline. Affected: yes. Observed: 2 variant alleles.
Comment: CABP2: BP4, BP7

Labcorp Genetics (formerly Invitae), Labcorp
Classification: Benign. Last evaluated: 2024-02-17. Review status: criteria provided, single submitter. Criteria: Invitae Variant Classification Sherloc (09022015). Collection method: clinical testing. Allele origin: germline.

GeneDx
Classification: Likely benign. Last evaluated: 2021-02-26. Review status: criteria provided, single submitter. Criteria: GeneDx Variant Classification Process June 2021. Collection method: clinical testing. Allele origin: germline. Affected: yes.

Laboratory for Molecular Medicine, Mass General Brigham Personalized Medicine
Classification: Likely benign. Last evaluated: 2017-08-23. Review status: criteria provided, single submitter. Criteria: LMM Criteria. Collection method: clinical testing. Allele origin: germline. Observed: 1 variant allele.
Comment: p.Thr115Thr in exon 4 of CABP2: This variant is not expected to have clinical si gnificance because it does not alter an amino acid residue and is not located wi thin the splice consensus sequence. It has been identified in 0.40% (66/16510) o f South Asian chromosomes by the Exome Aggregation Consortium (ExAC .; dbSNP rs376093439).

Eurofins Ntd Llc (ga)
Classification: Uncertain significance. Last evaluated: 2017-02-01. Review status: criteria provided, single submitter. Criteria: EGL Classification Definitions 2015. Collection method: clinical testing. Allele origin: germline. Observed: 1 variant allele, 1 heterozygote.

PreventionGenetics, part of Exact Sciences
Classification: Likely benign for CABP2-related condition. Last evaluated: 2024-09-11. Review status: no assertion criteria provided. Collection method: clinical testing. Allele origin: germline. Not counted in ClinVar's aggregate classification.
Comment: This variant is classified as likely benign based on ACMG/AMP sequence variant interpretation guidelines (Richards et al. 2015 PMID: 25741868, with internal and published modifications).

NM_016366.3(CABP2):c.345C>A (p.Thr115=)

Gene: CABP2 (calcium binding protein 2; minus strand). Cytogenetic location: 11q13.2.
Variant type: single nucleotide variant.
Coding change: c.345C>A on transcript NM_016366.3 (MANE Select); coding-DNA position 345, C replaced by A.
Protein change: p.Thr115=; no amino-acid change (threonine 115 retained).
Molecular consequence: synonymous variant.
Genome position (GRCh38, 1-based): chr11:67,521,059, G>T on the plus strand (C>A on the coding strand, the complement: CABP2 is on the minus strand). VCF-style: chr11-67521059-G-T. GRCh37 (hg19) VCF-style: chr11-67288530-G-T.
Other names: c.363C>A, p.Thr121= (NM_001318496.2).
Identifiers: ClinVar variation 499958 (VCV000499958.26), dbSNP rs376093439, ClinGen allele CA6142494.